The following is an entry in ClinVar:

NM_001376.5(DYNC1H1):c.10738C>G (p.Leu3580Val)

Gene: DYNC1H1 (dynein cytoplasmic 1 heavy chain 1; plus strand). Cytogenetic location: 14q32.31.
Variant type: single nucleotide variant.
Coding change: c.10738C>G on transcript NM_001376.5 (MANE Select); coding-DNA position 10738, C replaced by G.
Protein change: p.Leu3580Val; replaces leucine 3580 with valine.
Molecular consequence: missense variant.
Genome position (GRCh38, 1-based): chr14:102,034,436, C>G. VCF-style: chr14-102034436-C-G. GRCh37 (hg19) VCF-style: chr14-102500773-C-G.
Other names: short protein forms L3580V.
Identifiers: ClinVar variation 1784012 (VCV001784012.7), dbSNP rs200525912, ClinGen allele CA7353464.
Genomic context (GRCh38, chr14:102,034,436, plus strand): 5'-CTTCGCTGGCAGGCCAGCTCCTTGCCTGCTGATGACCTTTGCACAGAAAATGCCATCATG[C>G]TGAAACGATTCAATAGGTATGAGCTCGGGTGCCAAGGAGAGGCATGGGAGGAATGTGGGT-3'
Protein context (NP_001367.2, residues 3570-3590): DDLCTENAIM[Leu3580Val]KRFNRYPLII

ClinVar aggregate classification (germline): Conflicting classifications of pathogenicity. Review status: criteria provided, conflicting classifications (1 of 4 stars). 2 submissions from 2 submitters: Uncertain significance (1); Likely benign (1). Last evaluated 2023-10-11.

Conditions:
Inborn genetic diseases. Identifiers: MedGen C0950123, MeSH D030342.
Charcot-Marie-Tooth disease axonal type 2O. Also called: CHARCOT-MARIE-TOOTH NEUROPATHY, AXONAL, TYPE 2O; CHARCOT-MARIE-TOOTH DISEASE, AXONAL, AUTOSOMAL DOMINANT, TYPE 2O; Charcot-Marie-Tooth Neuropathy Type 2O; Charcot-Marie-Tooth disease, axonal, type 20. Identifiers: Orphanet 284232, MedGen C3280220, MONDO:0013644, OMIM 614228.

Allele frequency attached by ClinVar (database versions not stated): TOPMed 0.00002; 1000 Genomes Project 30x 0.00016; gnomAD exomes 0.00001; 1000 Genomes Project 0.00020; gnomAD 0.00001; ExAC 0.00002.
gnomAD v4.1: 10 of 1,613,048 alleles (0.00062%); highest among the groups gnomAD compares: Admixed American, 0.017%; no homozygotes.

Submissions (2):

Labcorp Genetics (formerly Invitae), Labcorp
Classification: Likely benign for Charcot-Marie-Tooth disease axonal type 2O. Last evaluated: 2023-10-11. Review status: criteria provided, single submitter. Criteria: Invitae Variant Classification Sherloc (09022015). Collection method: clinical testing. Allele origin: germline.

Ambry Genetics
Classification: Uncertain significance for Inborn genetic diseases. Last evaluated: 2017-09-06. Review status: criteria provided, single submitter. Criteria: Ambry Variant Classification Scheme 2023. Collection method: clinical testing. Allele origin: germline.
Comment: The p.L3580V variant (also known as c.10738C>G), located in coding exon 56 of the DYNC1H1 gene, results from a C to G substitution at nucleotide position 10738. The leucine at codon 3580 is replaced by valine, an amino acid with highly similar properties. This amino acid position is highly conserved in available vertebrate species. In addition, the in silico prediction for this alteration is inconclusive. Since supporting evidence is limited at this time, the clinical significance of this alteration remains unclear.